The following is an entry in ClinVar:

ClinVar aggregate classification (germline): Benign (0 of 4 stars; one submission).

Conditions:
GIGYF1-related disorder. Also called: GIGYF1-related condition.

Allele frequency attached by ClinVar (database versions not stated): ExAC 0.00676; gnomAD 0.02074; ESP Exome Variant Server 0.02258; 1000 Genomes Project 0.02336; TOPMed 0.02390; 1000 Genomes Project 30x 0.02467.
gnomAD v4.1: 6,207 of 1,592,458 alleles (0.39%); highest among the groups gnomAD compares: African/African-American, 7.2%; 243 homozygotes.

Submission:

PreventionGenetics, part of Exact Sciences
Classification: Benign for GIGYF1-related condition. Last evaluated: 2022-06-21. Review status: no assertion criteria provided. Collection method: clinical testing. Allele origin: germline.
Comment: This variant is classified as benign based on ACMG/AMP sequence variant interpretation guidelines (Richards et al. 2015 PMID: 25741868, with internal and published modifications).

NM_001375765.1(GIGYF1):c.2600+7G>A

Gene: GIGYF1 (GRB10 interacting GYF protein 1; minus strand). Cytogenetic location: 7q22.1.
Variant type: single nucleotide variant.
Coding change: c.2600+7G>A on transcript NM_001375765.1 (MANE Select); 7 bases into the intron after coding-DNA position 2600, G replaced by A.
Molecular consequence: intron variant.
Genome position (GRCh38, 1-based): chr7:100,682,583, C>T on the plus strand (G>A on the coding strand, the complement: GIGYF1 is on the minus strand). VCF-style: chr7-100682583-C-T. GRCh37 (hg19) VCF-style: chr7-100280206-C-T.
Other names: NM_022574.4:c.2600+7G>A; c.2600+7G>A (NM_001375760.1, NM_001375764.1, NM_001375766.1 and 5 more transcripts); c.2597+7G>A (NM_001375768.1).
Identifiers: ClinVar variation 3037248 (VCV003037248.2), dbSNP rs115155006, ClinGen allele CA4388054.